The following is an entry in ClinVar:

ClinVar aggregate classification (germline): Conflicting classifications of pathogenicity. Review status: criteria provided, conflicting classifications (1 of 4 stars). 3 submissions from 3 submitters: Uncertain significance (2); Likely benign (1). Last evaluated 2025-10-01.

Conditions:
Neurodevelopmental disorder with dysmorphic facies and distal limb anomalies. Identifiers: Orphanet 686482, MedGen C4540327, MONDO:0060596, OMIM 617755.
Inborn genetic diseases. Identifiers: MedGen C0950123, MeSH D030342.

Allele frequency attached by ClinVar (database versions not stated): ExAC 0.00002; gnomAD 0.00003; TOPMed 0.00003; gnomAD exomes 0.00008.

Submissions (3):

CeGaT Center for Human Genetics Tuebingen
Classification: Likely benign. Last evaluated: 2025-10-01. Review status: criteria provided, single submitter. Criteria: CeGaT Center For Human Genetics Tuebingen Variant Classification Criteria Version 2. Collection method: clinical testing. Allele origin: germline. Affected: yes. Observed: 1 variant allele.
Comment: BPTF: BP4

Ambry Genetics
Classification: Uncertain significance for Inborn genetic diseases. Last evaluated: 2023-10-13. Review status: criteria provided, single submitter. Criteria: Ambry Variant Classification Scheme 2023. Collection method: clinical testing. Allele origin: germline.

Revvity Omics, Revvity
Classification: Uncertain significance for Neurodevelopmental disorder with dysmorphic facies and distal limb anomalies. Last evaluated: 2022-08-26. Review status: criteria provided, single submitter. Criteria: ACMG Guidelines, 2015. Collection method: clinical testing. Allele origin: germline.

NM_182641.4(BPTF):c.3481T>C (p.Tyr1161His)

Gene: BPTF (bromodomain PHD finger transcription factor; plus strand). Cytogenetic location: 17q24.2.
Variant type: single nucleotide variant.
Coding change: c.3481T>C on transcript NM_182641.4 (MANE Select); coding-DNA position 3481, T replaced by C.
Protein change: p.Tyr1161His; replaces tyrosine 1161 with histidine.
Molecular consequence: missense variant.
Genome position (GRCh38, 1-based): chr17:67,911,365, T>C. VCF-style: chr17-67911365-T-C. GRCh37 (hg19) VCF-style: chr17-65907481-T-C.
Other names: c.3859T>C, p.Tyr1287His (NM_004459.7); c.3481T>C (NM_182641.3); short protein forms Y1161H, Y1287H.
Identifiers: ClinVar variation 2439550 (VCV002439550.10), dbSNP rs747101853, ClinGen allele CA8725643.